The following is an entry in ClinVar:

NM_001323289.2(CDKL5):c.333A>G (p.Lys111=)

Gene: CDKL5 (cyclin dependent kinase like 5; plus strand). Cytogenetic location: Xp22.13.
Variant type: single nucleotide variant.
Coding change: c.333A>G on transcript NM_001323289.2 (MANE Select); coding-DNA position 333, A replaced by G.
Protein change: p.Lys111=; no amino-acid change (lysine 111 retained).
Molecular consequence: synonymous variant.
Genome position (GRCh38, 1-based): chrX:18,579,898, A>G. VCF-style: chrX-18579898-A-G. GRCh37 (hg19) VCF-style: chrX-18598018-A-G.
Other names: NM_001323289.2(CDKL5):c.333A>G; p.Lys111=; c.333A>G, p.Lys111= (NM_001037343.2, NM_003159.3).
Identifiers: ClinVar variation 189536 (VCV000189536.6), dbSNP rs786204955, ClinGen allele CA199344.

ClinVar aggregate classification (germline): Likely benign. Review status: criteria provided, multiple submitters, no conflicts (2 of 4 stars). 3 submissions from 3 submitters: Likely benign (2). 1 of the submissions does not count toward it. Last evaluated 2024-12-09.

Conditions:
CDKL5 disorder. Identifiers: MedGen CN296942, MONDO:0100039.
Developmental and epileptic encephalopathy, 2 (DEE2). Also called: INFANTILE SPASM SYNDROME, X-LINKED 2; CDKL5 deficiency disorder. Identifiers: Orphanet 1934, Orphanet 3451, Orphanet 505652, MedGen C4750718, MONDO:0010396, OMIM 300672.
Angelman syndrome-like. Identifiers: MedGen CN128785.

Allele frequency attached by ClinVar (database versions not stated): gnomAD exomes below 0.00001 and 0.00001.
gnomAD v4.1: 3 of 1,200,562 alleles (0.00025%); highest among the groups gnomAD compares: South Asian, 0.0018%; no homozygotes.

Submissions (3):

Labcorp Genetics (formerly Invitae), Labcorp
Classification: Likely benign for Developmental and epileptic encephalopathy, 2; Angelman syndrome-like. Last evaluated: 2024-12-09. Review status: criteria provided, single submitter. Criteria: Invitae Variant Classification Sherloc (09022015). Collection method: clinical testing. Allele origin: germline.

Centre for Population Genomics, CPG
Classification: Likely benign for CDKL5 disorder. Last evaluated: 2024-07-04. Review status: criteria provided, single submitter. Criteria: McKnight et al. (Hum Mutat. 2022). Collection method: curation. Allele origin: germline. Inheritance: X-linked inheritance.
Comment: This variant has been collected from RettBASE and curated to current modified ACMG/AMP criteria. Based on the classification scheme defined by the ClinGen Rett/Angelman-like Expert Panel for Rett/AS-like Disorders Specifications to the ACMG/AMP Variant Interpretation Guidelines VCEP 3.0, this variant is classified as likely benign. At least the following criteria are met: The variant is observed in at least 2 individuals with no features of CDKL5 disorder (BS2). PMID: 23064044 , Allele frequency of this variant in at least one population in gnomAD is .004% (3 heterozygous 2 hemizigotes). Synonymous or intronic variant outside donor and acceptor splice regions where splicing prediction algorithms do not support significant splicing alteration (spliceAI score <=0.1) (BP4, BP7).

RettBASE
Classification: Benign. Last evaluated: 2014-05-09. Review status: no assertion criteria provided. Collection method: curation. Allele origin: paternal, unknown. Observed: 2 variant alleles. Not counted in ClinVar's aggregate classification.

Literature cited by the submitters: PubMed 23064044 (cited by RettBASE).